The following is an entry in ClinVar:

ClinVar aggregate classification (germline): Uncertain significance (1 of 4 stars; one submission).

gnomAD v4.1: 12 of 1,614,070 alleles (0.00074%); highest among the groups gnomAD compares: East Asian, 0.025%; 1 homozygote.

Submission:

Labcorp Genetics (formerly Invitae), Labcorp
Classification: Uncertain significance. Last evaluated: 2025-05-25. Review status: criteria provided, single submitter. Criteria: Invitae Variant Classification Sherloc (09022015). Collection method: clinical testing. Allele origin: germline.
Comment: This sequence change replaces proline, which is neutral and non-polar, with arginine, which is basic and polar, at codon 4799 of the HMCN1 protein (p.Pro4799Arg). This variant is present in population databases (rs761139497, gnomAD 0.02%). This variant has not been reported in the literature in individuals affected with HMCN1-related conditions. An algorithm developed to predict the effect of missense changes on protein structure and function (PolyPhen-2) suggests that this variant is likely to be disruptive. In summary, the available evidence is currently insufficient to determine the role of this variant in disease. Therefore, it has been classified as a Variant of Uncertain Significance.

NM_031935.3(HMCN1):c.14396C>G (p.Pro4799Arg)

Gene: HMCN1 (hemicentin 1; plus strand). Cytogenetic location: 1q31.1.
Variant type: single nucleotide variant.
Coding change: c.14396C>G on transcript NM_031935.3 (MANE Select); coding-DNA position 14396, C replaced by G.
Protein change: p.Pro4799Arg; replaces proline 4799 with arginine.
Molecular consequence: missense variant.
Genome position (GRCh38, 1-based): chr1:186,145,532, C>G. VCF-style: chr1-186145532-C-G. GRCh37 (hg19) VCF-style: chr1-186114664-C-G.
Other names: short protein forms P4799R.
Identifiers: ClinVar variation 4750394 (VCV004750394.1).